The following is an entry in ClinVar:

NM_032730.5(RTN4IP1):c.719C>G (p.Ala240Gly)

Gene: RTN4IP1 (reticulon 4 interacting protein 1; minus strand). Cytogenetic location: 6q21.
Variant type: single nucleotide variant.
Coding change: c.719C>G on transcript NM_032730.5 (MANE Select); coding-DNA position 719, C replaced by G.
Protein change: p.Ala240Gly; replaces alanine 240 with glycine.
Molecular consequence: missense variant.
Genome position (GRCh38, 1-based): chr6:106,592,251, G>C on the plus strand (C>G on the coding strand, the complement: RTN4IP1 is on the minus strand). VCF-style: chr6-106592251-G-C. GRCh37 (hg19) VCF-style: chr6-107040126-G-C.
Other names: c.419C>G, p.Ala140Gly (NM_001318746.1); short protein forms A240G, A140G.
Identifiers: ClinVar variation 1522054 (VCV001522054.8), dbSNP rs1160825845, ClinGen allele CA365156620.

ClinVar aggregate classification (germline): Uncertain significance (1 of 4 stars; one submission).

Allele frequency attached by ClinVar (database versions not stated): gnomAD exomes below 0.00001.
gnomAD v4.1: 2 of 1,613,856 alleles (0.00012%); highest among the groups gnomAD compares: East Asian, 0.0022%; no homozygotes.

Submission:

Labcorp Genetics (formerly Invitae), Labcorp
Classification: Uncertain significance. Last evaluated: 2021-06-05. Review status: criteria provided, single submitter. Criteria: Invitae Variant Classification Sherloc (09022015). Collection method: clinical testing. Allele origin: germline.
Comment: This sequence change replaces alanine with glycine at codon 240 of the RTN4IP1 protein (p.Ala240Gly). The alanine residue is highly conserved and there is a small physicochemical difference between alanine and glycine. This variant is not present in population databases (ExAC no frequency). This variant has not been reported in the literature in individuals with RTN4IP1-related conditions. Algorithms developed to predict the effect of missense changes on protein structure and function are either unavailable or do not agree on the potential impact of this missense change (SIFT: "Tolerated"; PolyPhen-2: "Probably Damaging"; Align-GVGD: "Class C0"). In summary, the available evidence is currently insufficient to determine the role of this variant in disease. Therefore, it has been classified as a Variant of Uncertain Significance.